The following is an entry in ClinVar:

NM_001024630.4(RUNX2):c.177GCA[15] (p.Gln71_Glu72insGlnGlnGlnGlnGlnGlnGlnGlnGln)

Genes: RUNX2 (RUNX family transcription factor 2; plus strand), LOC109611589 (runt related transcription factor 2 polyalanine expansion region; plus strand). Cytogenetic location: 6p21.1.
Variant type: Microsatellite.
Coding change: c.177GCA[15] on transcript NM_001024630.4 (MANE Select); 15 copies in a row of the 3-base unit GCA starting at c.177.
Protein change: p.Gln71_Glu72insGlnGlnGlnGlnGlnGlnGlnGlnGln.
Molecular consequence: inframe insertion. On other transcripts: inframe indel (1).
Genome position: GRCh38 VCF-style: chr6-45422708-A-ACAGCAGCAGCAGCAGCAGCAGCAGCAG. GRCh37 (hg19) VCF-style: chr6-45390445-A-ACAGCAGCAGCAGCAGCAGCAGCAGCAG.
Other names: c.177GCA[15], p.Gln71_Glu72insGlnGlnGlnGlnGlnGlnGlnGlnGln (NM_001015051.4); c.135GCA[15], p.Gln57_Glu58insGlnGlnGlnGlnGlnGlnGlnGlnGln (NM_001278478.2, NM_001369405.1); c.135_137GCA[15], p.Gln57_Glu58insGlnGlnGlnGlnGlnGlnGlnGlnGln (NM_004348.3).
Identifiers: ClinVar variation 2820432 (VCV002820432.3), dbSNP rs759395776, ClinGen allele CA2739273062.
Genomic context (GRCh38, chr6:45,422,708, plus strand): 5'-AATGAGCGACGTGAGCCCGGTGGTGGCTGCGCAACAGCAGCAGCAACAGCAGCAGCAGCA[A>ACAGCAGCAGCAGCAGCAGCAGCAGCAG]CAGCAGCAGCAGCAGCAGCAACAGCAGCAGCAGCAGCAGGAGGCGGCGGCGGCGGCTGCG-3'

ClinVar aggregate classification (germline): Uncertain significance (1 of 4 stars; one submission).

Submission:

Labcorp Genetics (formerly Invitae), Labcorp
Classification: Uncertain significance. Last evaluated: 2023-08-22. Review status: criteria provided, single submitter. Criteria: Invitae Variant Classification Sherloc (09022015). Collection method: clinical testing. Allele origin: germline.
Comment: This variant has not been reported in the literature in individuals affected with RUNX2-related conditions. In summary, the available evidence is currently insufficient to determine the role of this variant in disease. Therefore, it has been classified as a Variant of Uncertain Significance. This variant is not present in population databases (gnomAD no frequency). This variant, c.194_195insGCAGCAGCAGCAGCAGCAGCAGCAGCA, results in the insertion of 9 amino acid(s) of the RUNX2 protein (p.Gln63_Gln71dup), but otherwise preserves the integrity of the reading frame.